The following is an entry in ClinVar:

NM_012079.6(DGAT1):c.751+2T>G

Gene: DGAT1 (diacylglycerol O-acyltransferase 1; minus strand). Cytogenetic location: 8q24.3.
Variant type: single nucleotide variant.
Coding change: c.751+2T>G on transcript NM_012079.6 (MANE Select); the canonical splice donor site of the intron after coding-DNA position 751, T replaced by G.
Molecular consequence: splice donor variant.
Genome position (GRCh38, 1-based): chr8:144,318,093, A>C on the plus strand (T>G on the coding strand, the complement: DGAT1 is on the minus strand). VCF-style: chr8-144318093-A-C. GRCh37 (hg19) VCF-style: chr8-145541756-A-C.
Identifiers: ClinVar variation 2837131 (VCV002837131.3), dbSNP rs148665132, ClinGen allele CA372611930.
Genomic context (GRCh38, chr8:144,318,093, plus strand): 5'-GGGGTTGGTACCAGAACAGGCCCAGCCTGTCCCCCGCACCTCAGGCCCACAGAGGTCCTC[A>C]CCGCGGTAGGTCAGATTGTCCGGGTAGCTCACGGTGTGCGGGGCAGCAGCACTGCTGGCC-3'

ClinVar aggregate classification (germline): Pathogenic (1 of 4 stars; one submission).

Submission:

Labcorp Genetics (formerly Invitae), Labcorp
Classification: Pathogenic. Last evaluated: 2023-02-14. Review status: criteria provided, single submitter. Criteria: Invitae Variant Classification Sherloc (09022015). Collection method: clinical testing. Allele origin: germline.
Comment: For these reasons, this variant has been classified as Pathogenic. Studies have shown that disruption of this splice site results in skipping of exon 8, but is expected to preserve the integrity of the reading-frame (PMID: 23114594). This sequence change affects a donor splice site in intron 8 of the DGAT1 gene. RNA analysis indicates that disruption of this splice site induces altered splicing and likely results in a shortened protein product. This variant is not present in population databases (gnomAD no frequency). Disruption of this splice site has been observed in individual(s) with congenital chronic diarrhea (PMID: 23114594, 26883093). It has also been observed to segregate with disease in related individuals. Algorithms developed to predict the effect of variants on protein structure and function are not available or were not evaluated for this variant. Experimental studies have shown that disruption of this splice site affects DGAT1 function (PMID: 23114594).

Literature cited by the submitters: PubMed 23114594; PubMed 26883093.